The following is an entry in ClinVar:

NM_004415.4(DSP):c.3792T>C (p.Thr1264=)

Gene: DSP (desmoplakin; plus strand). Cytogenetic location: 6p24.3.
Variant type: single nucleotide variant.
Coding change: c.3792T>C on transcript NM_004415.4 (MANE Select); coding-DNA position 3792, T replaced by C.
Protein change: p.Thr1264=; no amino-acid change (threonine 1264 retained).
Molecular consequence: synonymous variant. On other transcripts: intron variant (1).
Genome position (GRCh38, 1-based): chr6:7,579,982, T>C. VCF-style: chr6-7579982-T-C. GRCh37 (hg19) VCF-style: chr6-7580215-T-C.
Other names: c.3792T>C, p.Thr1264= (NM_001319034.2); c.3582+210T>C (NM_001008844.3).
Identifiers: ClinVar variation 1551767 (VCV001551767.32), dbSNP rs766726853, ClinGen allele CA448715040.
Genomic context (GRCh38, chr6:7,579,982, plus strand): 5'-GGAAAATCGAGATCTGAAGGATGAAATTGTCAGGCTCAATGACAGCATCTTGCAGGCCAC[T>C]GAGCAGCGAAGGCGAGCTGAAGAAAACGCCCTTCAGCAAAAGGCCTGTGGCTCTGAGATA-3'
Protein context (NP_004406.2, residues 1254-1274): VRLNDSILQA[Thr1264=]EQRRRAEENA

ClinVar aggregate classification (germline): Likely benign. Review status: criteria provided, multiple submitters, no conflicts (2 of 4 stars). 2 submissions from 2 submitters: Likely benign (2). Last evaluated 2025-02-05.

Conditions:
Arrhythmogenic cardiomyopathy with wooly hair and keratoderma. Also called: Dilated cardiomyopathy with woolly hair and keratoderma; Arrhythmogenic cardiomyopathy with woolly hair and keratoderma; Carvajal syndrome; PALMOPLANTAR KERATODERMA WITH LEFT VENTRICULAR CARDIOMYOPATHY AND WOOLLY HAIR. Identifiers: Orphanet 65282, MedGen C1854063, MONDO:0011581, OMIM 605676.
Arrhythmogenic right ventricular dysplasia 8 (ARVD8). Also called: Arrhythmogenic Right Ventricular Dysplasia/Cardiomyopathy 8; ARRHYTHMOGENIC RIGHT VENTRICULAR DYSPLASIA, FAMILIAL, 8; ARRHYTHMOGENIC RIGHT VENTRICULAR CARDIOMYOPATHY 8. Identifiers: MedGen C1843896, MONDO:0011831, OMIM 607450.

gnomAD v4.1: 3 of 1,614,120 alleles (0.00019%); highest among the groups gnomAD compares: Middle Eastern, 0.016%; no homozygotes.

Submissions (2):

Labcorp Genetics (formerly Invitae), Labcorp
Classification: Likely benign for Arrhythmogenic cardiomyopathy with wooly hair and keratoderma; Arrhythmogenic right ventricular dysplasia 8. Last evaluated: 2025-02-05. Review status: criteria provided, single submitter. Criteria: Invitae Variant Classification Sherloc (09022015). Collection method: clinical testing. Allele origin: germline.

CeGaT Center for Human Genetics Tuebingen
Classification: Likely benign. Last evaluated: 2023-01-01. Review status: criteria provided, single submitter. Criteria: CeGaT Center For Human Genetics Tuebingen Variant Classification Criteria Version 2. Collection method: clinical testing. Allele origin: germline. Affected: yes. Observed: 1 variant allele.
Comment: DSP: PM2:Supporting, BP4, BP7